The following is an entry in ClinVar:

ClinVar aggregate classification (germline): Benign (1 of 4 stars; one submission).

Conditions:
Glycogen storage disease, type II (IOPD). Also called: Pompe Disease; CARDIOMEGALIA GLYCOGENICA DIFFUSA; GLYCOGENOSIS, GENERALIZED, CARDIAC FORM; GSD II; POMPE DISEASE, INFANTILE-ONSET; GLYCOGEN STORAGE DISEASE II, INFANTILE-ONSET. Identifiers: Orphanet 365, MedGen C0017921, MONDO:0009290, OMIM 232300.

gnomAD v4.1: 99,585 of 152,064 alleles (65%); highest among the groups gnomAD compares: Middle Eastern, 85%; 33,465 homozygotes.

Submission:

Genomenon, Inc
Classification: Benign for Glycogen storage disease, type II. Last evaluated: 2026-07-01. Review status: criteria provided, single submitter. Criteria: Genomenon Sequence Variant Interpretation Standards - Updated. Collection method: curation. Allele origin: germline. Affected: no.
Comment: GAA c.693-585T>C is an intronic variant located in intron 3. This variant is present at high allele frequency in population databases. We classify GAA c.693-585T>C as a benign variant.

NM_000152.5(GAA):c.693-585T>C

Gene: GAA (alpha glucosidase; plus strand). Cytogenetic location: 17q25.3.
Variant type: single nucleotide variant.
Coding change: c.693-585T>C on transcript NM_000152.5 (MANE Select); 585 bases into the intron before coding-DNA position 693, T replaced by C.
Molecular consequence: intron variant.
Genome position (GRCh38, 1-based): chr17:80,106,972, T>C. VCF-style: chr17-80106972-T-C. GRCh37 (hg19) VCF-style: chr17-78080771-T-C.
Other names: c.693-585T>C (NM_001406741.1, NM_001406742.1, NM_001079803.3 and 1 more transcripts).
Identifiers: ClinVar variation 4876421 (VCV004876421.1).